The following is an entry in ClinVar:

NM_006019.4(TCIRG1):c.631-15_642dup

Gene: TCIRG1 (T cell immune regulator 1, ATPase H+ transporting V0 subunit a3; plus strand). Cytogenetic location: 11q13.2.
Variant type: Duplication.
Coding change: c.631-15_642dup on transcript NM_006019.4 (MANE Select); 15 bases into the intron before coding-DNA position 631 through coding-DNA position 642, 27 bases duplicated (GAGCCTGCTCTGCAGGGCGAGCCAGCC).
Molecular consequence: splice acceptor variant.
Genome position (GRCh38, 1-based): chr11:68,043,556-68,043,582, GAGCCTGCTCTGCAGGGCGAGCCAGCC duplicated. VCF-style (leftmost placement, unchanged base first): chr11-68043555-T-TGAGCCTGCTCTGCAGGGCGAGCCAGCC. GRCh37 (hg19) VCF-style: chr11-67811022-T-TGAGCCTGCTCTGCAGGGCGAGCCAGCC.
Other names: c.-280-15_-269dup (NM_001351059.2); c.-18-15_-7dup (NM_006053.4).
Identifiers: ClinVar variation 1057220 (VCV001057220.9), dbSNP rs745521166, ClinGen allele CA6146763.

ClinVar aggregate classification (germline): Conflicting classifications of pathogenicity. Review status: criteria provided, conflicting classifications (1 of 4 stars). 2 submissions from 2 submitters: Uncertain significance (1); Likely benign (1). Last evaluated 2026-01-27.

Allele frequency attached by ClinVar (database versions not stated): gnomAD exomes 0.00005 and 0.00010; gnomAD 0.00007 and 0.00008; ExAC 0.00011.

Submissions (2):

Labcorp Genetics (formerly Invitae), Labcorp
Classification: Likely benign. Last evaluated: 2026-01-27. Review status: criteria provided, single submitter. Criteria: Invitae Variant Classification Sherloc (09022015). Collection method: clinical testing. Allele origin: germline.

GeneDx
Classification: Uncertain significance. Last evaluated: 2022-01-25. Review status: criteria provided, single submitter. Criteria: GeneDx Variant Classification Process June 2021. Collection method: clinical testing. Allele origin: germline. Affected: yes.
Comment: In-frame insertion of 9 amino acids in a non-repeat region; Has not been previously published as pathogenic or benign to our knowledge